The following is an entry in ClinVar:

NC_000004.12:g.1395095T>C

Genes: CRIPAK (cysteine rich PAK1 inhibitor; plus strand), UVSSA (UV stimulated scaffold protein A; plus strand), LOC126806945 (P300/CBP strongly-dependent group 1 enhancer GRCh37_chr4:1388225-1389424; plus strand). Cytogenetic location: 4p16.3.
Variant type: single nucleotide variant.
Genome position: GRCh38 VCF-style: chr4-1395095-T-C. GRCh37 (hg19) VCF-style: chr4-1388883-T-C.
Identifiers: ClinVar variation 4280966 (VCV004280966.7).

ClinVar aggregate classification (germline): Likely benign (1 of 4 stars; one submission).

gnomAD v4.1: 83 of 1,288,770 alleles (0.0064%); highest among the groups gnomAD compares: African/African-American, 0.12%; 11 homozygotes.

Submission:

CeGaT Center for Human Genetics Tuebingen
Classification: Likely benign. Last evaluated: 2025-09-01. Review status: criteria provided, single submitter. Criteria: CeGaT Center For Human Genetics Tuebingen Variant Classification Criteria Version 2. Collection method: clinical testing. Allele origin: germline. Affected: yes. Observed: 1 variant allele.
Comment: CRIPAK: BP4, BS2